The following is an entry in ClinVar:

ClinVar aggregate classification (germline): Uncertain significance (1 of 4 stars; one submission).

Conditions:
Hajdu-Cheney syndrome (HJCYS). Also called: ACROOSTEOLYSIS WITH OSTEOPOROSIS AND CHANGES IN SKULL AND MANDIBLE; SERPENTINE FIBULA-POLYCYSTIC KIDNEY SYNDROME; Acroosteolysis dominant type. Identifiers: Orphanet 955, MedGen C0917715, MONDO:0007057, OMIM 102500.

Allele frequency attached by ClinVar (database versions not stated): TOPMed 0.00001; ExAC 0.00002; gnomAD 0.00001; gnomAD exomes 0.00001.
gnomAD v4.1: 10 of 1,614,094 alleles (0.00062%); highest among the groups gnomAD compares: Non-Finnish European, 0.00085%; no homozygotes.

Submission:

Labcorp Genetics (formerly Invitae), Labcorp
Classification: Uncertain significance for Hajdu-Cheney syndrome. Last evaluated: 2025-11-11. Review status: criteria provided, single submitter. Criteria: Invitae Variant Classification Sherloc (09022015). Collection method: clinical testing. Allele origin: germline.
Comment: This sequence change replaces serine, which is neutral and polar, with phenylalanine, which is neutral and non-polar, at codon 2162 of the NOTCH2 protein (p.Ser2162Phe). This variant is present in population databases (rs745537818, gnomAD 0.003%). This variant has not been reported in the literature in individuals affected with NOTCH2-related conditions. ClinVar contains an entry for this variant (Variation ID: 2901726). Invitae Evidence Modeling of protein sequence and biophysical properties (such as structural, functional, and spatial information, amino acid conservation, physicochemical variation, residue mobility, and thermodynamic stability) indicates that this missense variant is not expected to disrupt NOTCH2 protein function with a negative predictive value of 80%. In summary, the available evidence is currently insufficient to determine the role of this variant in disease. Therefore, it has been classified as a Variant of Uncertain Significance.

NM_024408.4(NOTCH2):c.6485C>T (p.Ser2162Phe)

Gene: NOTCH2 (notch receptor 2; minus strand). Cytogenetic location: 1p12.
Variant type: single nucleotide variant.
Coding change: c.6485C>T on transcript NM_024408.4 (MANE Select); coding-DNA position 6485, C replaced by T.
Protein change: p.Ser2162Phe; replaces serine 2162 with phenylalanine.
Molecular consequence: missense variant.
Genome position (GRCh38, 1-based): chr1:119,916,237, G>A on the plus strand (C>T on the coding strand, the complement: NOTCH2 is on the minus strand). VCF-style: chr1-119916237-G-A. GRCh37 (hg19) VCF-style: chr1-120458860-G-A.
Other names: short protein forms S2162F.
Identifiers: ClinVar variation 2901726 (VCV002901726.3), dbSNP rs745537818, ClinGen allele CA1039419.
Genomic context (GRCh38, chr1:119,916,237, plus strand): 5'-GGGTTGGGTGAGGCCTGTAAGATCCCAGGGGATGTAATCATTGGAGAGGATGTGGTGTCG[G>A]AAACATACGTGTGAGGAGATTCTAGGGAATCAACAGGGGATAAAGTTACTGAACTCTCAG-3'
Protein context (NP_077719.2, residues 2152-2172): DSLESPHTYV[Ser2162Phe]DTTSSPMITS